The following is an entry in ClinVar:

NM_001376013.1(EPB41):c.1116G>A (p.Lys372=)

Gene: EPB41 (erythrocyte membrane protein band 4.1; plus strand). Cytogenetic location: 1p35.3.
Variant type: single nucleotide variant.
Coding change: c.1116G>A on transcript NM_001376013.1 (MANE Select); coding-DNA position 1116, G replaced by A.
Protein change: p.Lys372=; no amino-acid change (lysine 372 retained).
Molecular consequence: synonymous variant.
Genome position (GRCh38, 1-based): chr1:29,018,434, G>A. VCF-style: chr1-29018434-G-A. GRCh37 (hg19) VCF-style: chr1-29344946-G-A.
Other names: c.1116G>A, p.Lys372= (NM_001166005.2, NM_001166006.2, NM_001376014.1 and 7 more transcripts); c.489G>A, p.Lys163= (NM_001166007.2, NM_001376022.1, NM_001376023.1 and 7 more transcripts); c.1011G>A, p.Lys337= (NM_203343.3).
Identifiers: ClinVar variation 4978820 (VCV004978820.1).

ClinVar aggregate classification (germline): Likely benign (1 of 4 stars; one submission).

Conditions:
EPB41-related disorder. Also called: EPB41-related condition.

gnomAD v4.1: 71 of 1,613,934 alleles (0.0044%); highest among the groups gnomAD compares: Non-Finnish European, 0.0057%; no homozygotes.

Submission:

PreventionGenetics, part of Exact Sciences
Classification: Likely benign for EPB41-related condition. Last evaluated: 2025-09-19. Review status: criteria provided, single submitter. Criteria: ACMG Guidelines, 2015. Collection method: clinical testing. Allele origin: germline.
Comment: This variant is classified as likely benign based on ACMG/AMP sequence variant interpretation guidelines (Richards et al. 2015 PMID: 25741868, with internal and published modifications).